The following is an entry in ClinVar:

ClinVar aggregate classification (germline): Pathogenic. Review status: criteria provided, multiple submitters, no conflicts (2 of 4 stars). 3 submissions from 3 submitters: Pathogenic (2). 1 of the submissions does not count toward it. Last evaluated 2023-07-31.

Conditions:
CNGB1-related disorder. Also called: CNGB1-related condition.
Retinal dystrophy. Also called: Inherited retinal dystrophy. Identifiers: Orphanet 71862, MedGen C0854723, MeSH D058499, MONDO:0019118, HP:0000556.

Submissions (3):

Labcorp Genetics (formerly Invitae), Labcorp
Classification: Pathogenic. Last evaluated: 2023-07-31. Review status: criteria provided, single submitter. Criteria: Invitae Variant Classification Sherloc (09022015). Collection method: clinical testing. Allele origin: germline.
Comment: For these reasons, this variant has been classified as Pathogenic. ClinVar contains an entry for this variant (Variation ID: 866553). This variant has not been reported in the literature in individuals affected with CNGB1-related conditions. This variant is present in population databases (no rsID available, gnomAD 0.0009%). This sequence change creates a premature translational stop signal (p.Leu843Profs*9) in the CNGB1 gene. It is expected to result in an absent or disrupted protein product. Loss-of-function variants in CNGB1 are known to be pathogenic (PMID: 15557452, 24043777).

Blueprint Genetics
Classification: Pathogenic for CNGB1-related disorders. Last evaluated: 2023-02-14. Review status: criteria provided, single submitter. Criteria: ACMG Guidelines, 2015. Collection method: clinical testing. Allele origin: germline. Affected: yes. Observed: 4 variant alleles.

Institute of Human Genetics, Univ. Regensburg, Univ. Regensburg
Classification: Pathogenic for Retinal dystrophy. Last evaluated: 2022-01-01. Review status: no assertion criteria provided. Criteria: ACMG Guidelines, 2015. Collection method: clinical testing. Allele origin: germline. Affected: yes. Not counted in ClinVar's aggregate classification.

Literature cited by the submitters: PubMed 15557452 (cited by Labcorp Genetics (formerly Invitae), Labcorp); PubMed 24043777 (cited by Labcorp Genetics (formerly Invitae), Labcorp).

NM_001297.5(CNGB1):c.2527dup (p.Leu843fs)

Gene: CNGB1 (cyclic nucleotide gated channel subunit beta 1; minus strand). Cytogenetic location: 16q21.
Variant type: Duplication.
Coding change: c.2527dup on transcript NM_001297.5 (MANE Select); coding-DNA position 2527, one base duplicated (C; older notation c.2527dupC).
Protein change: p.Leu843fs; shifts the reading frame from leucine 843.
Molecular consequence: frameshift variant.
Genome position (GRCh38, 1-based): chr16:57,904,841, G duplicated on the plus strand (C on the coding strand, the reverse complement: CNGB1 is on the minus strand); the first of 3 consecutive G bases (chr16:57,904,841-57,904,843); duplicating any one gives the same sequence. VCF-style (leftmost placement, unchanged base first): chr16-57904840-A-AG. GRCh37 (hg19) VCF-style: chr16-57938744-A-AG.
Other names: c.2509dup, p.Leu837fs (NM_001286130.2); short protein forms L837fs, L843fs.
Identifiers: ClinVar variation 866553 (VCV000866553.8), dbSNP rs1451575280, ClinGen allele CA622686950.